The following is an entry in ClinVar:

ClinVar aggregate classification (germline): Benign. Review status: criteria provided, multiple submitters, no conflicts (2 of 4 stars). 2 submissions from 2 submitters: Benign (2). Last evaluated 2019-05-17.

Conditions:
Hypophosphatemic nephrolithiasis/osteoporosis 1. Identifiers: Orphanet 244305, MedGen C2676786, MONDO:0012850, OMIM 612286.

Allele frequency attached by ClinVar (database versions not stated): gnomAD exomes 0.00384; gnomAD 0.02990 and 0.03226; 1000 Genomes Project 0.03015; 1000 Genomes Project 30x 0.03092; TOPMed 0.03427.
gnomAD v4.1: 6,606 of 668,498 alleles (0.99%); highest among the groups gnomAD compares: African/African-American, 10%; 316 homozygotes.

Submissions (2):

GeneDx
Classification: Benign. Last evaluated: 2019-05-17. Review status: criteria provided, single submitter. Criteria: GeneDx Variant Classification Process June 2021. Collection method: clinical testing. Allele origin: germline. Affected: yes.

Illumina Laboratory Services, Illumina
Classification: Benign for Hypophosphatemic nephrolithiasis/osteoporosis 1. Last evaluated: 2018-01-12. Review status: criteria provided, single submitter. Criteria: ICSL Variant Classification Criteria 13 December 2019. Collection method: clinical testing. Allele origin: germline.
Comment: This variant was observed in the ICSL laboratory as part of a predisposition screen in an ostensibly healthy population. It had not been previously curated by ICSL or reported in the Human Gene Mutation Database (HGMD: prior to June 1st, 2018), and was therefore a candidate for classification through an automated scoring system. Utilizing variant allele frequency, disease prevalence and penetrance estimates, and inheritance mode, an automated score was calculated to assess if this variant is too frequent to cause the disease. Based on the score and internal cut-off values, a variant classified as benign is not then subjected to further curation. The score for this variant resulted in a classification of benign for this disease.

NM_003052.5(SLC34A1):c.*202A>C

Gene: SLC34A1 (solute carrier family 34 member 1; plus strand). Cytogenetic location: 5q35.3.
Variant type: single nucleotide variant.
Coding change: c.*202A>C on transcript NM_003052.5 (MANE Select); 202 bases downstream of the stop codon, A replaced by C.
Molecular consequence: 3 prime UTR variant.
Genome position (GRCh38, 1-based): chr5:177,398,488, A>C. VCF-style: chr5-177398488-A-C. GRCh37 (hg19) VCF-style: chr5-176825489-A-C.
Identifiers: ClinVar variation 352980 (VCV000352980.7), dbSNP rs6556319, ClinGen allele CA10621413.